The following is an entry in ClinVar:

ClinVar aggregate classification (germline): Likely benign. Review status: criteria provided, multiple submitters, no conflicts (2 of 4 stars). 3 submissions from 3 submitters: Likely benign (3). Last evaluated 2026-04-28.

Conditions:
PCNT-related disorder. Also called: PCNT-related condition.
Microcephalic osteodysplastic primordial dwarfism type II (MOPD2). Also called: Microcephalic osteodysplastic primordial dwarfism with tooth abnormalities; OSTEODYSPLASTIC PRIMORDIAL DWARFISM, TYPE II; MOPD II. Identifiers: Orphanet 2637, MedGen C0432246, MONDO:0008872, OMIM 210720.

Allele frequency attached by ClinVar (database versions not stated): gnomAD exomes 0.00001; TOPMed 0.00001; ExAC 0.00002; gnomAD 0.00002.
gnomAD v4.1: 20 of 1,613,892 alleles (0.0012%); highest among the groups gnomAD compares: Non-Finnish European, 0.0017%; no homozygotes.

Submissions (3):

PreventionGenetics, part of Exact Sciences
Classification: Likely benign for PCNT-related condition. Last evaluated: 2026-04-28. Review status: criteria provided, single submitter. Criteria: ACMG Guidelines, 2015. Collection method: clinical testing. Allele origin: germline.
Comment: This variant is classified as likely benign based on ACMG/AMP sequence variant interpretation guidelines (Richards et al. 2015 PMID: 25741868, with internal and published modifications).

Labcorp Genetics (formerly Invitae), Labcorp
Classification: Likely benign. Last evaluated: 2025-12-22. Review status: criteria provided, single submitter. Criteria: Invitae Variant Classification Sherloc (09022015). Collection method: clinical testing. Allele origin: germline.

ARUP Laboratories, Molecular Genetics and Genomics, ARUP Laboratories
Classification: Likely benign for Microcephalic osteodysplastic primordial dwarfism type II. Last evaluated: 2023-09-28. Review status: criteria provided, single submitter. Criteria: ARUP Molecular Germline Variant Investigation Process 2024. Collection method: clinical testing. Allele origin: germline.

NM_006031.6(PCNT):c.597A>T (p.Thr199=)

Gene: PCNT (pericentrin; plus strand). Cytogenetic location: 21q22.3.
Variant type: single nucleotide variant.
Coding change: c.597A>T on transcript NM_006031.6 (MANE Select); coding-DNA position 597, A replaced by T.
Protein change: p.Thr199=; no amino-acid change (threonine 199 retained).
Molecular consequence: synonymous variant.
Genome position (GRCh38, 1-based): chr21:46,334,726, A>T. VCF-style: chr21-46334726-A-T. GRCh37 (hg19) VCF-style: chr21-47754640-A-T.
Other names: c.243A>T, p.Thr81= (NM_001315529.2); c.597A>T (NM_006031.5).
Identifiers: ClinVar variation 2723428 (VCV002723428.5), dbSNP rs200995216, ClinGen allele CA10078309.